The following is an entry in ClinVar:

ClinVar aggregate classification (germline): Uncertain significance (1 of 4 stars; one submission).

Allele frequency attached by ClinVar (database versions not stated): gnomAD exomes below 0.00001.
gnomAD v4.1: 2 of 1,613,670 alleles (0.00012%); highest among the groups gnomAD compares: Non-Finnish European, 0.00017%; no homozygotes.

Submission:

GeneDx
Classification: Uncertain significance. Last evaluated: 2022-07-18. Review status: criteria provided, single submitter. Criteria: GeneDx Variant Classification Process June 2021. Collection method: clinical testing. Allele origin: germline. Affected: yes.
Comment: Not observed at significant frequency in large population cohorts (gnomAD); In silico analysis supports that this missense variant does not alter protein structure/function; Has not been previously published as pathogenic or benign to our knowledge

NM_001385012.1(NBEA):c.5060A>G (p.Asn1687Ser)

Gene: NBEA (neurobeachin; plus strand). Cytogenetic location: 13q13.3.
Variant type: single nucleotide variant.
Coding change: c.5060A>G on transcript NM_001385012.1 (MANE Select); coding-DNA position 5060, A replaced by G.
Protein change: p.Asn1687Ser; replaces asparagine 1687 with serine.
Molecular consequence: missense variant.
Genome position (GRCh38, 1-based): chr13:35,195,996, A>G. VCF-style: chr13-35195996-A-G. GRCh37 (hg19) VCF-style: chr13-35770133-A-G.
Other names: c.5051A>G, p.Asn1684Ser (NM_001379245.1); c.5060A>G, p.Asn1687Ser (NM_015678.5); short protein forms N1684S, N1687S.
Identifiers: ClinVar variation 2136130 (VCV002136130.1), dbSNP rs2072566443, ClinGen allele CA387833934.